The following is an entry in ClinVar:

NM_000171.4(GLRA1):c.524T>C (p.Met175Thr)

Gene: GLRA1 (glycine receptor alpha 1; minus strand). Cytogenetic location: 5q33.1.
Variant type: single nucleotide variant.
Coding change: c.524T>C on transcript NM_000171.4 (MANE Select); coding-DNA position 524, T replaced by C.
Protein change: p.Met175Thr; replaces methionine 175 with threonine.
Molecular consequence: missense variant.
Genome position (GRCh38, 1-based): chr5:151,856,336, A>G on the plus strand (T>C on the coding strand, the complement: GLRA1 is on the minus strand). VCF-style: chr5-151856336-A-G. GRCh37 (hg19) VCF-style: chr5-151235897-A-G.
Other names: c.524T>C, p.Met175Thr (NM_001146040.2); c.275T>C, p.Met92Thr (NM_001292000.2); short protein forms M175T, M92T.
Identifiers: ClinVar variation 4282062 (VCV004282062.2).

ClinVar aggregate classification (germline): Uncertain significance. Review status: criteria provided, multiple submitters, no conflicts (2 of 4 stars). 2 submissions from 2 submitters: Uncertain significance (2). Last evaluated 2025-07-27.

Conditions:
Hereditary hyperekplexia. Identifiers: Orphanet 3197, MedGen C4084968, MONDO:0021022.

Submissions (2):

Labcorp Genetics (formerly Invitae), Labcorp
Classification: Uncertain significance for Hereditary hyperekplexia. Last evaluated: 2025-07-27. Review status: criteria provided, single submitter. Criteria: Invitae Variant Classification Sherloc (09022015). Collection method: clinical testing. Allele origin: germline.
Comment: This sequence change replaces methionine, which is neutral and non-polar, with threonine, which is neutral and polar, at codon 175 of the GLRA1 protein (p.Met175Thr). This variant is not present in population databases (gnomAD no frequency). This variant has not been reported in the literature in individuals affected with GLRA1-related conditions. Invitae Evidence Modeling of protein sequence and biophysical properties (such as structural, functional, and spatial information, amino acid conservation, physicochemical variation, residue mobility, and thermodynamic stability) indicates that this missense variant is expected to disrupt GLRA1 protein function with a positive predictive value of 80%. In summary, the available evidence is currently insufficient to determine the role of this variant in disease. Therefore, it has been classified as a Variant of Uncertain Significance.

GeneDx
Classification: Uncertain significance. Last evaluated: 2025-04-11. Review status: criteria provided, single submitter. Criteria: GeneDx Variant Classification Process June 2021. Collection method: clinical testing. Allele origin: germline. Affected: yes.
Comment: Not observed at significant frequency in large population cohorts (gnomAD); In silico analysis supports that this missense variant has a deleterious effect on protein structure/function; Has not been previously published as pathogenic or benign to our knowledge